The following is an entry in ClinVar:

ClinVar aggregate classification (germline): Uncertain significance (1 of 4 stars; one submission).

Conditions:
VPS13B-related disorder. Also called: VPS13B-related condition.

gnomAD v4.1: 1 of 1,611,104 alleles (0.000062%); highest among the groups gnomAD compares: Non-Finnish European, 0.000085%; no homozygotes.

Submission:

PreventionGenetics, part of Exact Sciences
Classification: Uncertain significance for VPS13B-related condition. Last evaluated: 2026-02-20. Review status: criteria provided, single submitter. Criteria: ACMG Guidelines, 2015. Collection method: clinical testing. Allele origin: germline.
Comment: The VPS13B c.442G>A variant is predicted to result in the amino acid substitution p.Val148Ile. To our knowledge, this variant has not been reported in the literature or in a large population database (gnomAD), indicating this variant is rare. At this time, the clinical significance of this variant is uncertain due to the absence of conclusive functional and genetic evidence.

NM_152564.5(VPS13B):c.442G>A (p.Val148Ile)

Gene: VPS13B (vacuolar protein sorting 13 homolog B; plus strand). Cytogenetic location: 8q22.2.
Variant type: single nucleotide variant.
Coding change: c.442G>A on transcript NM_152564.5 (MANE Select); coding-DNA position 442, G replaced by A.
Protein change: p.Val148Ile; replaces valine 148 with isoleucine.
Molecular consequence: missense variant. On other transcripts: non-coding transcript variant (1).
Genome position (GRCh38, 1-based): chr8:99,102,982, G>A. VCF-style: chr8-99102982-G-A. GRCh37 (hg19) VCF-style: chr8-100115210-G-A.
Other names: c.442G>A, p.Val148Ile (NM_015243.3, NM_017890.5, NM_181661.3); short protein forms V148I.
Identifiers: ClinVar variation 4993654 (VCV004993654.1).
Genomic context (GRCh38, chr8:99,102,982, plus strand): 5'-GCTAATTAAATTCTTTTTTTCTATTTTATAGGTTATGTGCAGAGTCTGATTAGACGAGTT[G>A]TAAATAATGTAAACATTGTGATAAATAATCTCATACTAAAATATGTTGAAGATGATATCG-3'
Protein context (NP_689777.3, residues 138-158): GYVQSLIRRV[Val148Ile]NNVNIVINNL